The following is an entry in ClinVar:

ClinVar aggregate classification (germline): Likely benign. Review status: criteria provided, multiple submitters, no conflicts (2 of 4 stars). 3 submissions from 3 submitters: Likely benign (3). Last evaluated 2025-07-30.

Conditions:
Charcot-Marie-Tooth disease axonal type 2O. Also called: CHARCOT-MARIE-TOOTH NEUROPATHY, AXONAL, TYPE 2O; CHARCOT-MARIE-TOOTH DISEASE, AXONAL, AUTOSOMAL DOMINANT, TYPE 2O; Charcot-Marie-Tooth Neuropathy Type 2O; Charcot-Marie-Tooth disease, axonal, type 20. Identifiers: Orphanet 284232, MedGen C3280220, MONDO:0013644, OMIM 614228.
Inborn genetic diseases. Identifiers: MedGen C0950123, MeSH D030342.

Allele frequency attached by ClinVar (database versions not stated): gnomAD exomes below 0.00001; ExAC 0.00001; gnomAD 0.00001; 1000 Genomes Project 30x 0.00016; 1000 Genomes Project 0.00020.
gnomAD v4.1: 2 of 1,589,084 alleles (0.00013%); highest among the groups gnomAD compares: Non-Finnish European, 0.00017%; no homozygotes.

Submissions (3):

Mayo Clinic Laboratories, Mayo Clinic
Classification: Likely benign. Last evaluated: 2025-07-30. Review status: criteria provided, single submitter. Criteria: ACMG Guidelines, 2015. Collection method: clinical testing. Allele origin: germline. Observed: 1 variant allele.
Comment: BP4, BP7

Labcorp Genetics (formerly Invitae), Labcorp
Classification: Likely benign for Charcot-Marie-Tooth disease axonal type 2O. Last evaluated: 2025-03-25. Review status: criteria provided, single submitter. Criteria: Invitae Variant Classification Sherloc (09022015). Collection method: clinical testing. Allele origin: germline.

Ambry Genetics
Classification: Likely benign for Inborn genetic diseases. Last evaluated: 2017-01-19. Review status: criteria provided, single submitter. Criteria: Ambry Variant Classification Scheme 2023. Collection method: clinical testing. Allele origin: germline.

NM_001376.5(DYNC1H1):c.13734C>A (p.Ser4578=)

Gene: DYNC1H1 (dynein cytoplasmic 1 heavy chain 1; plus strand). Cytogenetic location: 14q32.31.
Variant type: single nucleotide variant.
Coding change: c.13734C>A on transcript NM_001376.5 (MANE Select); coding-DNA position 13734, C replaced by A.
Protein change: p.Ser4578=; no amino-acid change (serine 4578 retained).
Molecular consequence: synonymous variant.
Genome position (GRCh38, 1-based): chr14:102,050,120, C>A. VCF-style: chr14-102050120-C-A. GRCh37 (hg19) VCF-style: chr14-102516457-C-A.
Other names: p.Ser4578=.
Identifiers: ClinVar variation 588697 (VCV000588697.11), dbSNP rs201665825, ClinGen allele CA7354345.